The following is an entry in ClinVar:

ClinVar aggregate classification (germline): Likely benign (1 of 4 stars; one submission).

Submission:

GeneDx
Classification: Likely benign. Last evaluated: 2017-10-17. Review status: criteria provided, single submitter. Criteria: GeneDx Variant Classification (06012015). Collection method: clinical testing. Allele origin: germline. Affected: yes.
Comment: This variant is considered likely benign or benign based on one or more of the following criteria: it is a conservative change, it occurs at a poorly conserved position in the protein, it is predicted to be benign by multiple in silico algorithms, and/or has population frequency not consistent with disease.

NM_000535.7(PMS2):c.2006+16T>C

Gene: PMS2 (PMS1 homolog 2, mismatch repair system component; minus strand). Cytogenetic location: 7p22.1.
Variant type: single nucleotide variant.
Coding change: c.2006+16T>C on transcript NM_000535.7 (MANE Select); 16 bases into the intron after coding-DNA position 2006, T replaced by C.
Molecular consequence: intron variant.
Genome position (GRCh38, 1-based): chr7:5,986,743, A>G on the plus strand (T>C on the coding strand, the complement: PMS2 is on the minus strand). VCF-style: chr7-5986743-A-G. GRCh37 (hg19) VCF-style: chr7-6026374-A-G.
Other names: c.1688+16T>C (NM_001322008.2, NM_001322007.2); c.1445+16T>C (NM_001322010.2); c.1601+16T>C (NM_001322004.2, NM_001322003.2, NM_001322009.2 and 1 more transcripts); c.1433+16T>C (NM_001322013.2); c.1073+16T>C (NM_001322012.2, NM_001322011.2); c.1697+16T>C (NM_001322015.2); c.1850+16T>C (NM_001322006.2); c.2006+16T>C (NM_001322014.2).
Identifiers: ClinVar variation 512726 (VCV000512726.1), dbSNP rs1554297038, ClinGen allele CA658796885.